The following is an entry in ClinVar:

ClinVar aggregate classification (germline): Uncertain significance. Review status: criteria provided, multiple submitters, no conflicts (2 of 4 stars). 5 submissions from 5 submitters: Uncertain significance (5). Last evaluated 2025-11-24.

Conditions:
CBL-related disorder. Also called: NOONAN SYNDROME-LIKE DISORDER WITHOUT JUVENILE MYELOMONOCYTIC LEUKEMIA; CBL MUTATION-ASSOCIATED SYNDROME; CBL SYNDROME. Identifiers: Orphanet 363972, MedGen C3150803, MONDO:0013308, OMIM 613563.
Cardiovascular phenotype. Identifiers: MedGen CN230736.
RASopathy. Also called: Noonan spectrum disorder; rasopathies. Identifiers: Orphanet 536391, MedGen C5555857, MONDO:0021060.

Allele frequency attached by ClinVar (database versions not stated): ExAC 0.00001; gnomAD 0.00001; gnomAD exomes 0.00001.
gnomAD v4.1: 6 of 1,613,966 alleles (0.00037%); highest among the groups gnomAD compares: Non-Finnish European, 0.00051%; no homozygotes.

Submissions (5):

Labcorp Genetics (formerly Invitae), Labcorp
Classification: Uncertain significance for RASopathy. Last evaluated: 2025-11-24. Review status: criteria provided, single submitter. Criteria: Invitae Variant Classification Sherloc (09022015). Collection method: clinical testing. Allele origin: germline.
Comment: This sequence change replaces isoleucine, which is neutral and non-polar, with valine, which is neutral and non-polar, at codon 157 of the CBL protein (p.Ile157Val). This variant is present in population databases (rs730880430, gnomAD 0.002%). This variant has not been reported in the literature in individuals affected with CBL-related conditions. ClinVar contains an entry for this variant (Variation ID: 180812). Invitae Evidence Modeling of protein sequence and biophysical properties (such as structural, functional, and spatial information, amino acid conservation, physicochemical variation, residue mobility, and thermodynamic stability) indicates that this missense variant is not expected to disrupt CBL protein function with a negative predictive value of 95%. In summary, the available evidence is currently insufficient to determine the role of this variant in disease. Therefore, it has been classified as a Variant of Uncertain Significance.

St. Jude Molecular Pathology, St. Jude Children's Research Hospital
Classification: Uncertain significance for CBL-related disorder. Last evaluated: 2025-02-05. Review status: criteria provided, single submitter. Criteria: St. Jude Assertion Criteria 2020. Collection method: clinical testing. Allele origin: germline.
Comment: The CBL c.469A>G (p.Ile157Val) missense change has a maximum subpopulation frequency of 0.002% in gnomAD v2.1.1. The in silico tool REVEL predicts a benign effect on protein function, but to our knowledge this prediction has not been confirmed by functional studies. To our knowledge, this variant has not been reported in individuals with features consistent with a Noonan syndrome-like disorder. In summary, the evidence currently available is insufficient to determine the clinical significance of this variant. It has therefore been classified as of uncertain significance.

Ambry Genetics
Classification: Uncertain significance for Cardiovascular phenotype. Last evaluated: 2023-06-12. Review status: criteria provided, single submitter. Criteria: Ambry Variant Classification Scheme 2023. Collection method: clinical testing. Allele origin: germline.
Comment: The p.I157V variant (also known as c.469A>G), located in coding exon 3 of the CBL gene, results from an A to G substitution at nucleotide position 469. The isoleucine at codon 157 is replaced by valine, an amino acid with highly similar properties. This amino acid position is conserved. In addition, the in silico prediction for this alteration is inconclusive. Since supporting evidence is limited at this time, the clinical significance of this alteration remains unclear.

Women's Health and Genetics/Laboratory Corporation of America, LabCorp
Classification: Uncertain significance. Last evaluated: 2019-09-01. Review status: criteria provided, single submitter. Criteria: LabCorp Variant Classification Summary - May 2015. Collection method: clinical testing. Allele origin: germline.
Comment: Variant summary: CBL c.469A>G (p.Ile157Val) results in a conservative amino acid change located in the Adaptor protein Cbl, N-terminal helical domain (IPR003153) of the encoded protein sequence. Four of five in-silico tools predict a benign effect of the variant on protein function. The variant allele was found at a frequency of 8e-06 in 251470 control chromosomes. The available data on variant occurrences in the general population are insufficient to allow any conclusion about variant significance. To our knowledge, no occurrence of c.469A>G in individuals affected with Noonan Syndrome and Related Conditions and no experimental evidence demonstrating its impact on protein function have been reported. No clinical diagnostic laboratories have submitted clinical-significance assessments for this variant to ClinVar after 2014. Based on the evidence outlined above, the variant was classified as uncertain significance.

GeneDx
Classification: Uncertain significance. Last evaluated: 2013-06-04. Review status: criteria provided, single submitter. Criteria: GeneDx Variant Classification (06012015). Collection method: clinical testing. Allele origin: germline. Affected: yes.
Comment: This variant is denoted p.Ile157Val at the protein level, c.469 A>G at the cDNA level, and results in the the change of an Isoleucine for a Valine (ATC>GTC) in exon 3 of the CBL gene (NM_005188.2). The I157Vmissense substitution has not been published as a mutation, nor has it been reported as a benign polymorphism, to our knowledge. The I157V amino acid substitution is conservative as Isoleucine and Valine are both non-polar residues. The codon where this substitution occurs is highly conserved. The I157V missense change occurs in the 4-helix bundle subdomain of the phosphotyrosine binding domain of CBL, however no missense mutations have been reported at nearby codons. Additionally, The NHLBI ESP Exome Variant Server reports that I157V was not observed in approximately 6,000 individuals of European and African American backgrounds, indicating it is not a common benign variant in these populations. This variant was observed to co-occur with a pathogenic mutation in the SOS1 gene, leading to the conclusion that the I157V variant in CBL is most likely a benign rare variant, although the possibility that it is a disease-causing mutation cannot be completely excluded. The variant is found in NOONAN panel(s).

NM_005188.4(CBL):c.469A>G (p.Ile157Val)

Gene: CBL (Cbl proto-oncogene; plus strand). Cytogenetic location: 11q23.3.
Variant type: single nucleotide variant.
Coding change: c.469A>G on transcript NM_005188.4 (MANE Select); coding-DNA position 469, A replaced by G.
Protein change: p.Ile157Val; replaces isoleucine 157 with valine.
Molecular consequence: missense variant.
Genome position (GRCh38, 1-based): chr11:119,271,760, A>G. VCF-style: chr11-119271760-A-G. GRCh37 (hg19) VCF-style: chr11-119142470-A-G.
Other names: p.I157V:ATC>GTC; short protein forms I157V.
Identifiers: ClinVar variation 180812 (VCV000180812.10), dbSNP rs730880430, ClinGen allele CA295977.